The following is an entry in ClinVar:

NM_001330078.2(NRXN1):c.2025A>C (p.Glu675Asp)

Gene: NRXN1 (neurexin 1; minus strand). Cytogenetic location: 2p16.3.
Variant type: single nucleotide variant.
Coding change: c.2025A>C on transcript NM_001330078.2 (MANE Select); coding-DNA position 2025, A replaced by C.
Protein change: p.Glu675Asp; replaces glutamic acid 675 with aspartic acid.
Molecular consequence: missense variant.
Genome position (GRCh38, 1-based): chr2:50,538,371, T>G on the plus strand (A>C on the coding strand, the complement: NRXN1 is on the minus strand). VCF-style: chr2-50538371-T-G. GRCh37 (hg19) VCF-style: chr2-50765509-T-G.
Other names: c.2145A>C, p.Glu715Asp (NM_001135659.3); c.2001A>C, p.Glu667Asp (NM_001330077.2, NM_001330082.2, NM_001330095.2); c.1986A>C, p.Glu662Asp (NM_001330083.2, NM_001330084.2); c.2025A>C, p.Glu675Asp (NM_001330085.2, NM_001330086.2, NM_004801.6); c.1941A>C, p.Glu647Asp (NM_001330087.2, NM_001330096.2); c.1971A>C, p.Glu657Asp (NM_001330088.2); c.2022A>C, p.Glu674Asp (NM_001330093.2); c.2013A>C, p.Glu671Asp (NM_001330094.2); short protein forms E715D, E647D, E657D, E662D, E674D, E667D, E671D, E675D.
Identifiers: ClinVar variation 1422750 (VCV001422750.6), dbSNP rs1553759497, ClinGen allele CA316101.

ClinVar aggregate classification (germline): Uncertain significance (1 of 4 stars; one submission).

Conditions:
Pitt-Hopkins-like syndrome 2 (PTHSL2). Identifiers: Orphanet 221150, Orphanet 600663, MedGen C3280479, MONDO:0013690, OMIM 614325.

Allele frequency attached by ClinVar (database versions not stated): gnomAD exomes below 0.00001.
gnomAD v4.1: 2 of 1,614,004 alleles (0.00012%); highest among the groups gnomAD compares: Non-Finnish European, 0.000085%; no homozygotes.

Submission:

Labcorp Genetics (formerly Invitae), Labcorp
Classification: Uncertain significance for Pitt-Hopkins-like syndrome 2. Last evaluated: 2024-04-22. Review status: criteria provided, single submitter. Criteria: Invitae Variant Classification Sherloc (09022015). Collection method: clinical testing. Allele origin: germline.
Comment: This sequence change replaces glutamic acid, which is acidic and polar, with aspartic acid, which is acidic and polar, at codon 715 of the NRXN1 protein (p.Glu715Asp). This variant is not present in population databases (gnomAD no frequency). This variant has not been reported in the literature in individuals affected with NRXN1-related conditions. ClinVar contains an entry for this variant (Variation ID: 1422750). An algorithm developed to predict the effect of missense changes on protein structure and function (PolyPhen-2) suggests that this variant is likely to be tolerated. In summary, the available evidence is currently insufficient to determine the role of this variant in disease. Therefore, it has been classified as a Variant of Uncertain Significance.